The following is an entry in ClinVar:

NM_000277.3(PAH):c.311C>A (p.Ala104Asp)

Gene: PAH (phenylalanine hydroxylase; minus strand). Cytogenetic location: 12q23.2.
Variant type: single nucleotide variant.
Coding change: c.311C>A on transcript NM_000277.3 (MANE Select); coding-DNA position 311, C replaced by A.
Protein change: p.Ala104Asp; replaces alanine 104 with aspartic acid.
Molecular consequence: missense variant.
Genome position (GRCh38, 1-based): chr12:102,894,776, G>T on the plus strand (C>A on the coding strand, the complement: PAH is on the minus strand). VCF-style: chr12-102894776-G-T. GRCh37 (hg19) VCF-style: chr12-103288554-G-T.
Other names: NM_000277.2(PAH):c.311C>A; c.311C>A (NM_000277.2); c.311C>A, p.Ala104Asp (NM_001354304.2); short protein forms A104D.
Identifiers: ClinVar variation 102650 (VCV000102650.40), dbSNP rs62642929, ClinGen allele CA229515.

ClinVar aggregate classification (germline): Pathogenic. Review status: reviewed by expert panel (3 of 4 stars). 16 submissions from 16 submitters: Pathogenic (1). 15 of the submissions do not count toward it. Last evaluated 2018-08-07.

Conditions:
PAH-related disorder. Also called: PAH-related condition.
Phenylketonuria (PKU). Also called: Phenylketonuria (PKU); FOLLING DISEASE; OLIGOPHRENIA PHENYLPYRUVICA; Phenylketonurias. Identifiers: Orphanet 716, MedGen C0031485, MONDO:0009861, OMIM 261600. Disease mechanism: loss of function.

Allele frequency attached by ClinVar (database versions not stated): ExAC 0.00003; gnomAD 0.00003; gnomAD exomes 0.00005 and 0.00004; TOPMed 0.00004.
gnomAD v4.1: 66 of 1,613,956 alleles (0.0041%); highest among the groups gnomAD compares: Non-Finnish European, 0.0047%; no homozygotes.

Submissions 1 to 11 of 16:

ClinGen PAH Variant Curation Expert Panel
Classification: Pathogenic for Phenylketonuria. Last evaluated: 2018-08-07. Review status: reviewed by expert panel. Criteria: ClinGen PAH ACMG Specifications v1. Collection method: curation. Allele origin: germline. Inheritance: Autosomal recessive inheritance.
Comment: PAH-specific ACMG/AMP criteria applied: PM2: Extremely low frequency: 0.00009 in gnomAD; PS3: 26% PAH enzyme activity; PM3_Strong: Detected with Y414C, pathogenic in ClinVar and V245L (P/LP) (PMID:9429153; PMID:24368688). In summary this variant meets criteria to be classified as pathogenic for phenylketonuria in an autosomal recessive manner based on the ACMG/AMP criteria applied as specified by the PAH Expert Panel: (PM2, PS3, PM3_Strong).

Labcorp Genetics (formerly Invitae), Labcorp
Classification: Pathogenic for Phenylketonuria. Last evaluated: 2026-01-17. Review status: criteria provided, single submitter. Criteria: Invitae Variant Classification Sherloc (09022015). Collection method: clinical testing. Allele origin: germline. Not counted in ClinVar's aggregate classification.
Comment: This sequence change replaces alanine, which is neutral and non-polar, with aspartic acid, which is acidic and polar, at codon 104 of the PAH protein (p.Ala104Asp). This variant is present in population databases (rs62642929, gnomAD 0.009%). This missense change has been observed in individual(s) with phenylketonuria (PMID: 18299955, 22112818, 22526846, 23764561, 26666653). ClinVar contains an entry for this variant (Variation ID: 102650). Invitae Evidence Modeling of protein sequence and biophysical properties (such as structural, functional, and spatial information, amino acid conservation, physicochemical variation, residue mobility, and thermodynamic stability) indicates that this missense variant is not expected to disrupt PAH protein function with a negative predictive value of 80%. For these reasons, this variant has been classified as Pathogenic.

Dasa
Classification: Pathogenic. Last evaluated: 2025-04-11. Review status: criteria provided, single submitter. Criteria: DASA Assertion Criteria. Collection method: clinical testing. Allele origin: germline. Not counted in ClinVar's aggregate classification.
Comment: NM_000277.3(PAH):c.311C>A (p.Ala104Asp) is a missense variant that results in the substitution of alanine with aspartic acid. The affected residue or protein region has prior evidence supporting clinical relevance. This variant has been observed in affected individuals with related phenotype in a genotype context consistent with recessive disease (PMID: 21953985; PMID: 31355225; PMID: 26666653; PMID: 23842451; PMID: 9429153). Functional evidence supports a deleterious effect on the gene or gene product (PMID: 21953985; PMID: 31355225; PMID: 26666653; PMID: 23842451; PMID: 9429153). This variant has been recurrently observed in individuals with related phenotype (PMID: 21953985; PMID: 31355225; PMID: 26666653; PMID: 23842451; PMID: 9429153). The variant is present at low frequency in population datasets. Based on the available data, this variant is classified as pathogenic.

GeneDx
Classification: Pathogenic. Last evaluated: 2024-06-26. Review status: criteria provided, single submitter. Criteria: GeneDx Variant Classification Process June 2021. Collection method: clinical testing. Allele origin: germline. Affected: yes. Not counted in ClinVar's aggregate classification.
Comment: Reported previously in the heterozygous state, in the presence of a second PAH variant, in association with phenylketonuria (PKU) (PMID: 1301187, 9429153, 12655551, 17627389, 24368688); Published functional studies found this variant is associated with reduced protein expression and catalytic activity (PMID: 9191407, 21953985); Not observed at a significant frequency in large population cohorts (gnomAD); In silico analysis supports that this missense variant does not alter protein structure/function; Associated with tetrahydrobiopterin (BH4) responsiveness (PMID: 17935162); This variant is associated with the following publications: (PMID: 11461190, 10384369, 9792411, 22526846, 9429153, 24368688, 17627389, 23357515, 12655551, 30037505, 30648773, 31355225, 22112818, 18299955, 23764561, 26666653, 26542770, 23514811, 34426522, 32668217, 33101986, 32778825, 9191407, 1301187, 17935162, 21953985)

Natera, Inc.
Classification: Pathogenic for Phenylketonuria. Last evaluated: 2024-04-20. Review status: criteria provided, single submitter. Criteria: Natera Variant Classification Schema (03/2026). Collection method: clinical testing. Allele origin: germline. Not counted in ClinVar's aggregate classification.
Comment: The c.311C>A variant in PAH is a missense variant predicted to cause substitution of alanine to aspartic acid at amino acid 104. This variant is rare in the general population with a frequency below the threshold expected for the associated phenotype(s). This variant has been observed in one or more individuals affected with the associated recessive disease, as either homozygous or compound heterozygous with a second variant (PMID: 23942198, 23430918). Given the available evidence, this variant is classified as Pathogenic.

Laboratory of Medical Genetics, National & Kapodistrian University of Athens
Classification: Pathogenic for Phenylketonuria. Last evaluated: 2024-02-01. Review status: criteria provided, single submitter. Criteria: ACMG Guidelines, 2015. Collection method: curation. Allele origin: germline. Affected: no. Not counted in ClinVar's aggregate classification.

Mayo Clinic Laboratories, Mayo Clinic
Classification: Pathogenic. Last evaluated: 2023-11-01. Review status: criteria provided, single submitter. Criteria: ACMG Guidelines, 2015. Collection method: clinical testing. Allele origin: germline. Observed: 1 variant allele. Not counted in ClinVar's aggregate classification.
Comment: PM2_moderate, PM3_strong, PS3

Fulgent Genetics
Classification: Pathogenic for Phenylketonuria. Last evaluated: 2022-05-19. Review status: criteria provided, single submitter. Criteria: ACMG Guidelines, 2015. Collection method: clinical testing. Allele origin: unknown. Not counted in ClinVar's aggregate classification.

Revvity Omics, Revvity
Classification: Pathogenic for Phenylketonuria. Last evaluated: 2021-07-15. Review status: criteria provided, single submitter. Criteria: ACMG Guidelines, 2015. Collection method: clinical testing. Allele origin: germline. Not counted in ClinVar's aggregate classification.

Illumina Laboratory Services, Illumina
Classification: Pathogenic for Phenylketonuria. Last evaluated: 2019-01-11. Review status: criteria provided, single submitter. Criteria: ICSL Variant Classification Criteria 09 May 2019. Collection method: clinical testing. Allele origin: germline. Not counted in ClinVar's aggregate classification.
Comment: Across a selection of the available literature, the PAH c.311C>A (p.Ala104Asp) missense variant has been identified in at least 12 individuals with phenylalanine hydroxylase deficiency (PAH), including in one in a homozygous state, and in 11 in a compound heterozygous state (Guldberg et al. 1995; Zekanowski et al. 1997; Pronina et al. 2003; Ho et al. 2014; Trunzo et al. 2015). The p.Ala104Asp variant is associated with a mild phenotype with the exception of one compound heterozygous individual who presented with the classical form. Control data are unavailable for this variant, which is reported at a frequency of 0.000089 in the European (non-Finnish) population of the Genome Aggregation Database. Functional studies demonstrated that the p.Ala104Asp PAH retained 26% of its activity but with a significantly reduced half-life of the aggregates compared to wild type PAH. In vitro, wild type PAH was comprised of tetramers and dimers, whereas mutant PAH was primarily dimeric with moderate amounts of aggregates, and significantly reduced amounts of tetramers (Waters et al. 1998). Additionally, hybrid expression models have shown a modest decrease in reporter activity as well as an increase in the rate of degradation in homomeric interactions for the p.Ala104Asp mutant as compared to wildtype (Waters et al. 2001). Based on the collective evidence, the p.Ala104Asp variant is classified as pathogenic for phenylalanine hydroxylase deficiency. This variant was observed by ICSL as part of a predisposition screen in an ostensibly healthy population.

Women's Health and Genetics/Laboratory Corporation of America, LabCorp
Classification: Pathogenic for Phenylketonuria. Last evaluated: 2018-08-27. Review status: criteria provided, single submitter. Criteria: LabCorp Variant Classification Summary - May 2015. Collection method: clinical testing. Allele origin: germline. Not counted in ClinVar's aggregate classification.
Comment: Variant summary: PAH c.311C>A (p.Ala104Asp) results in a non-conservative amino acid change located in the ACT domain of the encoded protein sequence. Three of five in-silico tools predict a damaging effect of the variant on protein function. The variant allele was found at a frequency of 5.3e-05 in 246214 control chromosomes (gnomAD). This frequency is not significantly higher than expected for a pathogenic variant in PAH causing Phenylalanine Hydroxylase Deficiency (Phenylketonuria) (5.3e-05 vs 0.0079), allowing no conclusion about variant significance. c.311C>A has been reported in the literature in multiple individuals affected with mild PKU due to Phenylalanine Hydroxylase Deficiency (mild Phenylketonuria)(Zurfluh_2008, Bayat_2016). These data indicate that the variant is very likely to be associated with disease. At least one publication reports experimental evidence evaluating an impact on protein function. The most pronounced variant effect results in 10%-<30% of normal activity. Two ClinVar submissions from other clinical diagnostic laboratories (evaluation after 2014) cite the variant as "pathogenic." Based on the evidence outlined above, the variant was classified as pathogenic.